The following is an entry in ClinVar:

NM_002485.5(NBN):c.1322A>G (p.Lys441Arg)

Gene: NBN (nibrin; minus strand). Cytogenetic location: 8q21.3.
Variant type: single nucleotide variant.
Coding change: c.1322A>G on transcript NM_002485.5 (MANE Select); coding-DNA position 1322, A replaced by G.
Protein change: p.Lys441Arg; replaces lysine 441 with arginine.
Molecular consequence: missense variant.
Genome position (GRCh38, 1-based): chr8:89,955,358, T>C on the plus strand (A>G on the coding strand, the complement: NBN is on the minus strand). VCF-style: chr8-89955358-T-C. GRCh37 (hg19) VCF-style: chr8-90967586-T-C.
Other names: c.1076A>G, p.Lys359Arg (NM_001024688.3); short protein forms K441R, K359R.
Identifiers: ClinVar variation 530759 (VCV000530759.18), dbSNP rs1329281031, ClinGen allele CA371656119.

ClinVar aggregate classification (germline): Uncertain significance. Review status: criteria provided, multiple submitters, no conflicts (2 of 4 stars). 3 submissions from 3 submitters: Uncertain significance (3). Last evaluated 2025-05-17.

Conditions:
Hereditary cancer-predisposing syndrome. Also called: Neoplastic Syndromes, Hereditary; Hereditary neoplastic syndrome; Tumor predisposition; Hereditary Cancer Syndrome. Identifiers: Orphanet 140162, MedGen C0027672, MeSH D009386, MONDO:0015356.
Microcephaly, normal intelligence and immunodeficiency (NBS). Also called: Immunodeficiency, microcephaly with normal intelligence; Ataxia telangiectasia variant V1; IMMUNODEFICIENCY, MICROCEPHALY, AND CHROMOSOMAL INSTABILITY; BERLIN BREAKAGE SYNDROME; SEEMANOVA SYNDROME II; Nijmegen breakage syndrome. Identifiers: Orphanet 647, MedGen C0398791, MONDO:0009623, OMIM 251260.

Allele frequency attached by ClinVar (database versions not stated): gnomAD 0.00001.
gnomAD v4.1: 1 of 1,613,734 alleles (0.000062%); highest among the groups gnomAD compares: African/African-American, 0.0013%; no homozygotes.

Submissions (3):

Ambry Genetics
Classification: Uncertain significance for Hereditary cancer-predisposing syndrome. Last evaluated: 2025-05-17. Review status: criteria provided, single submitter. Criteria: Ambry Variant Classification Scheme 2023. Collection method: clinical testing. Allele origin: germline.
Comment: The p.K441R variant (also known as c.1322A>G), located in coding exon 10 of the NBN gene, results from an A to G substitution at nucleotide position 1322. The lysine at codon 441 is replaced by arginine, an amino acid with highly similar properties. This amino acid position is not well conserved in available vertebrate species. In addition, this alteration is predicted to be tolerated by in silico analysis. Since supporting evidence is limited at this time, the clinical significance of this alteration remains unclear.

Labcorp Genetics (formerly Invitae), Labcorp
Classification: Uncertain significance for Microcephaly, normal intelligence and immunodeficiency. Last evaluated: 2023-06-17. Review status: criteria provided, single submitter. Criteria: Invitae Variant Classification Sherloc (09022015). Collection method: clinical testing. Allele origin: germline.
Comment: In summary, the available evidence is currently insufficient to determine the role of this variant in disease. Therefore, it has been classified as a Variant of Uncertain Significance. Algorithms developed to predict the effect of missense changes on protein structure and function output the following: SIFT: "Not Available"; PolyPhen-2: "Benign"; Align-GVGD: "Not Available". The arginine amino acid residue is found in multiple mammalian species, which suggests that this missense change does not adversely affect protein function. ClinVar contains an entry for this variant (Variation ID: 530759). This variant has not been reported in the literature in individuals affected with NBN-related conditions. This variant is present in population databases (no rsID available, gnomAD 0.01%). This sequence change replaces lysine, which is basic and polar, with arginine, which is basic and polar, at codon 441 of the NBN protein (p.Lys441Arg).

Genome-Nilou Lab
Classification: Uncertain significance for Microcephaly, normal intelligence and immunodeficiency. Last evaluated: 2021-11-07. Review status: criteria provided, single submitter. Criteria: ACMG Guidelines, 2015. Collection method: clinical testing. Allele origin: germline. Affected: no.